The following is an entry in ClinVar:

ClinVar aggregate classification (germline): Uncertain significance (1 of 4 stars; one submission).

Conditions:
Developmental delay, impaired speech, and behavioral abnormalities, with or without seizures (DEDISB). Identifiers: MedGen C5575272, MONDO:0859263, OMIM 619964.

Submission:

Neuberg Centre For Genomic Medicine, NCGM
Classification: Uncertain significance for Developmental delay, impaired speech, and behavioral abnormalities, with or without seizures. Last evaluated: 2023-06-22. Review status: criteria provided, single submitter. Criteria: ACMG Guidelines, 2015. Collection method: clinical testing. Allele origin: germline. Inheritance: Autosomal dominant inheritance. Affected: yes.
Comment: The observed missense c.3454A>Cp.Met1152Leu variant in ARFGEF1 gene has not been reported previously as a pathogenic variant nor a benign variant, to our knowledge. The p.Met1152Leu variant is absent in gnomAD Exomes. This variant has not been submitted to the ClinVar database. Multiple lines of computational evidences Polyphen - Benign, SIFT - Tolerated and MutationTaster - Disease causing predict conflicting evidence on protein structure and function for this variant. The reference amino acid change at this position on ARFGEF1 gene is predicted as conserved by GERP++ and PhyloP across 100 vertebrates. The amino acid Met at position 1152 is changed to a Leu changing protein sequence and it might alter its composition and physico-chemical properties. For these reasons, this variant has been classified as a Variant of Uncertain Significance VUS.

NM_006421.5(ARFGEF1):c.3454A>C (p.Met1152Leu)

Gene: ARFGEF1 (ARF guanine nucleotide exchange factor 1; minus strand). Cytogenetic location: 8q13.2.
Variant type: single nucleotide variant.
Coding change: c.3454A>C on transcript NM_006421.5 (MANE Select); coding-DNA position 3454, A replaced by C.
Protein change: p.Met1152Leu; replaces methionine 1152 with leucine.
Molecular consequence: missense variant. On other transcripts: non-coding transcript variant (1).
Genome position (GRCh38, 1-based): chr8:67,228,100, T>G on the plus strand (A>C on the coding strand, the complement: ARFGEF1 is on the minus strand). VCF-style: chr8-67228100-T-G. GRCh37 (hg19) VCF-style: chr8-68140335-T-G.
Other names: c.3454A>C, p.Met1152Leu (NM_001413184.1, NM_001413185.1, NM_001413186.1 and 6 more transcripts); c.2854A>C, p.Met952Leu (NM_001413188.1, NM_001413193.1, NM_001413197.1); c.3448A>C, p.Met1150Leu (NM_001413190.1); c.2029A>C, p.Met677Leu (NM_001413196.1); short protein forms M1150L, M1152L, M677L, M952L.
Identifiers: ClinVar variation 3391340 (VCV003391340.1).